The following is an entry in ClinVar:

NM_001365999.1(SZT2):c.9359C>A (p.Ser3120Tyr)

Gene: SZT2 (SZT2 subunit of KICSTOR complex; plus strand). Cytogenetic location: 1p34.2.
Variant type: single nucleotide variant.
Coding change: c.9359C>A on transcript NM_001365999.1 (MANE Select); coding-DNA position 9359, C replaced by A.
Protein change: p.Ser3120Tyr; replaces serine 3120 with tyrosine.
Molecular consequence: missense variant.
Genome position (GRCh38, 1-based): chr1:43,447,617, C>A. VCF-style: chr1-43447617-C-A. GRCh37 (hg19) VCF-style: chr1-43913288-C-A.
Other names: c.9188C>A, p.Ser3063Tyr (NM_015284.4); short protein forms S3063Y, S3120Y.
Identifiers: ClinVar variation 1298422 (VCV001298422.39), dbSNP rs2153936812, ClinGen allele CA340042847.

ClinVar aggregate classification (germline): Uncertain significance. Review status: criteria provided, multiple submitters, no conflicts (2 of 4 stars). 3 submissions from 3 submitters: Uncertain significance (3). Last evaluated 2023-04-11.

Conditions:
Developmental and epileptic encephalopathy, 18 (DEE18). Also called: Early infantile epileptic encephalopathy 18. Identifiers: Orphanet 369894, MedGen C3809624, MONDO:0014201, OMIM 615476.

Submissions (3):

Genome-Nilou Lab
Classification: Uncertain significance for Developmental and epileptic encephalopathy, 18. Last evaluated: 2023-04-11. Review status: criteria provided, single submitter. Criteria: ACMG Guidelines, 2015. Collection method: clinical testing. Allele origin: germline. Affected: no.

Labcorp Genetics (formerly Invitae), Labcorp
Classification: Uncertain significance. Last evaluated: 2022-07-01. Review status: criteria provided, single submitter. Criteria: Invitae Variant Classification Sherloc (09022015). Collection method: clinical testing. Allele origin: germline.
Comment: ClinVar contains an entry for this variant (Variation ID: 1298422). This variant has not been reported in the literature in individuals affected with SZT2-related conditions. This variant is not present in population databases (gnomAD no frequency). This sequence change replaces serine, which is neutral and polar, with tyrosine, which is neutral and polar, at codon 3063 of the SZT2 protein (p.Ser3063Tyr). Algorithms developed to predict the effect of missense changes on protein structure and function are either unavailable or do not agree on the potential impact of this missense change (SIFT: "Deleterious"; PolyPhen-2: "Probably Damaging"; Align-GVGD: "Class C0"). In summary, the available evidence is currently insufficient to determine the role of this variant in disease. Therefore, it has been classified as a Variant of Uncertain Significance.

CeGaT Center for Human Genetics Tuebingen
Classification: Uncertain significance. Last evaluated: 2021-08-01. Review status: criteria provided, single submitter. Criteria: CeGaT Center For Human Genetics Tuebingen Variant Classification Criteria Version 2. Collection method: clinical testing. Allele origin: germline. Affected: yes. Observed: 1 variant allele.